The following is an entry in ClinVar:

NM_007194.4(CHEK2):c.216T>G (p.Tyr72Ter)

Gene: CHEK2 (checkpoint kinase 2; minus strand). Cytogenetic location: 22q12.1.
Variant type: single nucleotide variant.
Coding change: c.216T>G on transcript NM_007194.4 (MANE Select); coding-DNA position 216, T replaced by G.
Protein change: p.Tyr72Ter; replaces tyrosine 72 with a stop codon.
Molecular consequence: nonsense.
Genome position (GRCh38, 1-based): chr22:28,734,506, A>C on the plus strand (T>G on the coding strand, the complement: CHEK2 is on the minus strand). VCF-style: chr22-28734506-A-C. GRCh37 (hg19) VCF-style: chr22-29130494-A-C.
Other names: c.-562T>G (NM_001257387.3); c.216T>G, p.Tyr72Ter (NM_001349956.3, NM_145862.3, NM_001005735.3); short protein forms Y72*.
Identifiers: ClinVar variation 141381 (VCV000141381.28), dbSNP rs587781705, ClinGen allele CA165273.

ClinVar aggregate classification (germline): Pathogenic/Likely pathogenic. Review status: criteria provided, multiple submitters, no conflicts (2 of 4 stars). 9 submissions from 9 submitters: Pathogenic (8); Likely pathogenic (1). Last evaluated 2026-05-18.

Conditions:
Predisposition to cancer.
Familial cancer of breast. Also called: hereditary breast carcinoma; BREAST CANCER, FAMILIAL; Hereditary breast cancer. Identifiers: Orphanet 227535, MedGen C0346153, MONDO:0016419, OMIM 114480. Disease mechanism: loss of function.
Bone osteosarcoma. Also called: Osteosarcoma, somatic. Identifiers: Orphanet 668, MedGen C0585442, MONDO:0002629, OMIM 259500.
CHEK2-related cancer predisposition (TPDS4). Also called: CHEK2-related cancer susceptibility; TUMOR PREDISPOSITION SYNDROME 4; CANCER PREDISPOSITION SYNDROME, CHEK2-RELATED. Identifiers: Orphanet 524, MedGen C5882668, MONDO:0700271, OMIM 609265.
Prostate cancer. Also called: Malignant tumor of prostate. Identifiers: Orphanet 1331, MedGen C0376358, MONDO:0008315, HP:0012125.
Hereditary cancer-predisposing syndrome. Also called: Neoplastic Syndromes, Hereditary; Hereditary neoplastic syndrome; Hereditary Cancer Syndrome; Tumor predisposition. Identifiers: Orphanet 140162, MedGen C0027672, MeSH D009386, MONDO:0015356.
Uveal melanoma. Also called: Melanoma of the Uvea. Identifiers: Orphanet 39044, MedGen C0220633, MONDO:0006486, OMIM 155720, HP:0007716.

Submissions (9):

Institute of Human Genetics, University of Leipzig Medical Center
Classification: Pathogenic for Uveal melanoma. Last evaluated: 2026-05-18. Review status: criteria provided, single submitter. Criteria: ACMG Guidelines, 2015. Collection method: clinical testing. Allele origin: unknown. Inheritance: Autosomal dominant inheritance. Affected: yes.
Comment: Criteria applied: PVS1,PM2_SUP,PM5_SUP

Labcorp Genetics (formerly Invitae), Labcorp
Classification: Pathogenic for Familial cancer of breast. Last evaluated: 2025-12-03. Review status: criteria provided, single submitter. Criteria: Invitae Variant Classification Sherloc (09022015). Collection method: clinical testing. Allele origin: germline.
Comment: This sequence change creates a premature translational stop signal (p.Tyr72*) in the CHEK2 gene. It is expected to result in an absent or disrupted protein product. Loss-of-function variants in CHEK2 are known to be pathogenic (PMID: 21876083, 24713400). This variant is not present in population databases (gnomAD no frequency). This premature translational stop signal has been observed in individual(s) with renal cell carcinoma (PMID: 29978187). ClinVar contains an entry for this variant (Variation ID: 141381). For these reasons, this variant has been classified as Pathogenic.

Ambry Genetics
Classification: Pathogenic for Hereditary cancer-predisposing syndrome. Last evaluated: 2025-08-01. Review status: criteria provided, single submitter. Criteria: Ambry Variant Classification Scheme 2023. Collection method: clinical testing. Allele origin: germline.
Comment: The p.Y72* pathogenic mutation (also known as c.216T>G), located in coding exon 1 of the CHEK2 gene, results from a T to G substitution at nucleotide position 216. This changes the amino acid from a tyrosine to a stop codon within coding exon 1. This variant is considered to be rare based on population cohorts in the Genome Aggregation Database (gnomAD). This alteration is expected to result in loss of function by premature protein truncation or nonsense-mediated mRNA decay. As such, this alteration is interpreted as a disease-causing mutation.

Color Diagnostics, LLC DBA Color Health
Classification: Pathogenic for Hereditary cancer-predisposing syndrome. Last evaluated: 2025-02-03. Review status: criteria provided, single submitter. Criteria: ACMG Guidelines, 2015. Collection method: clinical testing. Allele origin: germline.
Comment: This variant changes 1 nucleotide in exon 2 of the CHEK2 gene, creating a premature translation stop signal. This variant is expected to result in an absent or non-functional protein product. This variant has been reported in individuals affected with breast cancer, prostate cancer, and renal cell carcinoma (PMID: 28873162, 29522266, 29978187, 33850299). This variant has not been identified in the general population by the Genome Aggregation Database (gnomAD). Loss of CHEK2 function is a known mechanism of disease. Based on the available evidence, this variant is classified as Pathogenic.

GeneDx
Classification: Likely pathogenic. Last evaluated: 2024-12-03. Review status: criteria provided, single submitter. Criteria: GeneDx Variant Classification Process June 2021. Collection method: clinical testing. Allele origin: germline. Affected: yes.
Comment: Nonsense variant predicted to result in protein truncation or nonsense mediated decay in a gene for which loss of function is a known mechanism of disease; Not observed at significant frequency in large population cohorts (gnomAD); This variant is associated with the following publications: (PMID: 33850299, 28152038, 21876083, 24713400, 28873162, 29978187, 29522266)

St. Jude Molecular Pathology, St. Jude Children's Research Hospital
Classification: Pathogenic for Predisposition to cancer. Last evaluated: 2024-10-12. Review status: criteria provided, single submitter. Criteria: St. Jude Assertion Criteria 2020. Collection method: clinical testing. Allele origin: germline.
Comment: The CHEK2 c.216T>G (p.Tyr72Ter) change is a nonsense variant that is predicted to cause premature protein truncation or absence of protein due to nonsense-mediated decay. This variant has been observed in individuals with breast cancer, renal cell carcinoma, and hematological malignancies (PMID: 29522266, 29978187, 33850299). It is also absent in gnomAD v2.1.1. In summary, this variant meets criteria to be classified as pathogenic.

Quest Diagnostics Nichols Institute San Juan Capistrano
Classification: Pathogenic. Last evaluated: 2024-05-08. Review status: criteria provided, single submitter. Criteria: Quest Diagnostics criteria. Collection method: clinical testing. Allele origin: unknown.
Comment: The CHEK2 c.216T>G (p.Tyr72*) variant causes the premature termination of CHEK2 protein synthesis. This variant has been reported in the published literature in an individual with breast cancer (PMID: 29522266 (2018)), as well as in a reportedly healthy individual in a large scale breast cancer association study (PMID: 33471991 (2021), see also LOVD). The variant was also reported in an individual with renal cancer (PMIDs: 29978187 (2018)), as well as in an individual with primary myelofibrosis and prostate cancer (PMID: 33850299 (2021)). This variant has not been reported in large, multi-ethnic general populations (Genome Aggregation Database). Based on the available information, this variant is classified as pathogenic.

Myriad Genetics, Inc.
Classification: Pathogenic for Familial cancer of breast. Last evaluated: 2023-06-22. Review status: criteria provided, single submitter. Criteria: Myriad Autosomal Dominant, Autosomal Recessive and X-Linked Classification Criteria (2023). Collection method: clinical testing. Allele origin: unknown.
Comment: This variant is considered pathogenic. This variant creates a termination codon and is predicted to result in premature protein truncation.

Fulgent Genetics
Classification: Pathogenic for Familial cancer of breast; Familial prostate cancer; Bone osteosarcoma; CHEK2-related cancer predisposition. Last evaluated: 2018-10-31. Review status: criteria provided, single submitter. Criteria: ACMG Guidelines, 2015. Collection method: clinical testing. Allele origin: unknown.

Literature cited by the submitters: PubMed 21876083 (cited by Labcorp Genetics (formerly Invitae), Labcorp); PubMed 24713400 (cited by Labcorp Genetics (formerly Invitae), Labcorp); PubMed 29978187 (cited by 3 submitters); PubMed 28152038 (cited by Ambry Genetics); PubMed 28873162 (cited by Color Diagnostics, LLC DBA Color Health and Quest Diagnostics Nichols Institute San Juan Capistrano); PubMed 29522266 (cited by Color Diagnostics, LLC DBA Color Health and Quest Diagnostics Nichols Institute San Juan Capistrano); PubMed 33850299 (cited by Color Diagnostics, LLC DBA Color Health and Quest Diagnostics Nichols Institute San Juan Capistrano); PubMed 33471991 (cited by Quest Diagnostics Nichols Institute San Juan Capistrano).